The following is an entry in ClinVar:

NM_007268.3(VSIG4):c.94C>T (p.Pro32Ser)

Gene: VSIG4 (V-set and immunoglobulin domain containing 4; minus strand). Cytogenetic location: Xq12.
Variant type: single nucleotide variant.
Coding change: c.94C>T on transcript NM_007268.3 (MANE Select); coding-DNA position 94, C replaced by T.
Protein change: p.Pro32Ser; replaces proline 32 with serine.
Molecular consequence: missense variant.
Genome position (GRCh38, 1-based): chrX:66,033,792, G>A on the plus strand (C>T on the coding strand, the complement: VSIG4 is on the minus strand). VCF-style: chrX-66033792-G-A. GRCh37 (hg19) VCF-style: chrX-65253634-G-A.
Other names: c.94C>T, p.Pro32Ser (NM_001100431.2, NM_001184830.2, NM_001184831.2 and 1 more transcripts); short protein forms P32S.
Identifiers: ClinVar variation 1206413 (VCV001206413.26), dbSNP rs749206075, ClinGen allele CA10435082.
Genomic context (GRCh38, chrX:66,033,792, plus strand): 5'-CTTGGGTGTAGCCTTGCAGGGGGTCATAGGTGCAGGGAAGATTCACATCCCCTTTCCAAG[G>A]TCCTGTTACACTCTCTGGCACTTCCAGGATGGGACGGCCTGAAGAGGCGGAACAGAGGAA-3'
Protein context (NP_009199.1, residues 22-42): ILEVPESVTG[Pro32Ser]WKGDVNLPCT

ClinVar aggregate classification (germline): Likely benign. Review status: criteria provided, single submitter (1 of 4 stars). 3 submissions from 3 submitters: Likely benign (1). 2 of the submissions do not count toward it. Last evaluated 2022-10-01.

Allele frequency attached by ClinVar (database versions not stated): ExAC 0.00005; gnomAD exomes 0.00006 and 0.00010; gnomAD 0.00007 and 0.00008; TOPMed 0.00008; 1000 Genomes Project 0.00026; 1000 Genomes Project 30x 0.00042.

Submissions (3):

CeGaT Center for Human Genetics Tuebingen
Classification: Likely benign. Last evaluated: 2022-10-01. Review status: criteria provided, single submitter. Criteria: CeGaT Center For Human Genetics Tuebingen Variant Classification Criteria Version 2. Collection method: clinical testing. Allele origin: germline. Affected: yes. Observed: 1 variant allele.
Comment: VSIG4: BP4, BS2

Clinical Genetics DNA and cytogenetics Diagnostics Lab, Erasmus MC, Erasmus Medical Center
Classification: Likely benign. Review status: no assertion criteria provided. Collection method: clinical testing. Allele origin: germline. Affected: yes. Study: VKGL Data-share Consensus. Not counted in ClinVar's aggregate classification.

Laboratory of Diagnostic Genome Analysis, Leiden University Medical Center (LUMC)
Classification: Likely benign. Review status: no assertion criteria provided. Collection method: clinical testing. Allele origin: germline. Affected: yes. Study: VKGL Data-share Consensus. Not counted in ClinVar's aggregate classification.